The following is an entry in ClinVar:

ClinVar aggregate classification (germline): Uncertain significance. Review status: criteria provided, multiple submitters, no conflicts (2 of 4 stars). 3 submissions from 3 submitters: Uncertain significance (3). Last evaluated 2025-08-01.

Conditions:
Familial hemophagocytic lymphohistiocytosis 3 (FHL3). Also called: UNC13D-Related Familial Hemophagocytic Lymphohistiocytosis (UNC13D-fHLH). Identifiers: Orphanet 540, MedGen C1837174, MONDO:0012146, OMIM 608898.
Inborn genetic diseases. Identifiers: MedGen C0950123, MeSH D030342.

Allele frequency attached by ClinVar (database versions not stated): TOPMed 0.00001; ExAC 0.00002; gnomAD exomes 0.00002; ESP Exome Variant Server 0.00008.

Submissions (3):

Ambry Genetics
Classification: Uncertain significance for Inborn genetic diseases. Last evaluated: 2025-08-01. Review status: criteria provided, single submitter. Criteria: Ambry Variant Classification Scheme 2023. Collection method: clinical testing. Allele origin: germline.

Labcorp Genetics (formerly Invitae), Labcorp
Classification: Uncertain significance for Familial hemophagocytic lymphohistiocytosis 3. Last evaluated: 2024-07-04. Review status: criteria provided, single submitter. Criteria: Invitae Variant Classification Sherloc (09022015). Collection method: clinical testing. Allele origin: germline.
Comment: This sequence change replaces proline, which is neutral and non-polar, with threonine, which is neutral and polar, at codon 93 of the UNC13D protein (p.Pro93Thr). This variant is present in population databases (rs137882090, gnomAD 0.005%). This variant has not been reported in the literature in individuals affected with UNC13D-related conditions. ClinVar contains an entry for this variant (Variation ID: 2163471). Advanced modeling of protein sequence and biophysical properties (such as structural, functional, and spatial information, amino acid conservation, physicochemical variation, residue mobility, and thermodynamic stability) performed at Invitae indicates that this missense variant is not expected to disrupt UNC13D protein function with a negative predictive value of 80%. In summary, the available evidence is currently insufficient to determine the role of this variant in disease. Therefore, it has been classified as a Variant of Uncertain Significance.

Blueprint Genetics
Classification: Uncertain significance. Last evaluated: 2023-10-04. Review status: criteria provided, single submitter. Criteria: ACMG Guidelines, 2015. Collection method: clinical testing. Allele origin: germline.

NM_199242.3(UNC13D):c.277C>A (p.Pro93Thr)

Gene: UNC13D (unc-13 homolog D; minus strand). Cytogenetic location: 17q25.1.
Variant type: single nucleotide variant.
Coding change: c.277C>A on transcript NM_199242.3 (MANE Select); coding-DNA position 277, C replaced by A.
Protein change: p.Pro93Thr; replaces proline 93 with threonine.
Molecular consequence: missense variant.
Genome position (GRCh38, 1-based): chr17:75,843,058, G>T on the plus strand (C>A on the coding strand, the complement: UNC13D is on the minus strand). VCF-style: chr17-75843058-G-T. GRCh37 (hg19) VCF-style: chr17-73839139-G-T.
Other names: short protein forms P93T.
Identifiers: ClinVar variation 2163471 (VCV002163471.4), dbSNP rs137882090, ClinGen allele CA8773544.